The following is an entry in ClinVar:

NM_032806.6(POMGNT2):c.1181G>A (p.Arg394Gln)

Gene: POMGNT2 (protein O-linked mannose N-acetylglucosaminyltransferase 2 (beta 1,4-); minus strand). Cytogenetic location: 3p22.1.
Variant type: single nucleotide variant.
Coding change: c.1181G>A on transcript NM_032806.6 (MANE Select); coding-DNA position 1181, G replaced by A.
Protein change: p.Arg394Gln; replaces arginine 394 with glutamine.
Molecular consequence: missense variant.
Genome position (GRCh38, 1-based): chr3:43,080,251, C>T on the plus strand (G>A on the coding strand, the complement: POMGNT2 is on the minus strand). VCF-style: chr3-43080251-C-T. GRCh37 (hg19) VCF-style: chr3-43121743-C-T.
Other names: short protein forms R394Q.
Identifiers: ClinVar variation 733162 (VCV000733162.15), dbSNP rs199612856, ClinGen allele CA2339909.

ClinVar aggregate classification (germline): Conflicting classifications of pathogenicity. Review status: criteria provided, conflicting classifications (1 of 4 stars). 4 submissions from 4 submitters: Uncertain significance (1); Likely benign (1). 2 of the submissions do not count toward it. Last evaluated 2025-11-19.

Conditions:
POMGNT2-related disorder. Also called: POMGNT2-related condition.
Muscular dystrophy-dystroglycanopathy (congenital with brain and eye anomalies), type a, 8 (MDDGA8). Also called: WALKER-WARBURG SYNDROME OR MUSCLE-EYE-BRAIN DISEASE, GTDC2-RELATED. Identifiers: Orphanet 899, MedGen C3553813, MONDO:0013904, OMIM 614830.
concomitant exotropia.

Allele frequency attached by ClinVar (database versions not stated): gnomAD 0.00004 and 0.00014; TOPMed 0.00004; gnomAD exomes 0.00018 and 0.00031; ExAC 0.00034; 1000 Genomes Project 30x 0.00094; 1000 Genomes Project 0.00100.

Submissions (4):

Labcorp Genetics (formerly Invitae), Labcorp
Classification: Likely benign for Muscular dystrophy-dystroglycanopathy (congenital with brain and eye anomalies), type a, 8. Last evaluated: 2025-11-19. Review status: criteria provided, single submitter. Criteria: Invitae Variant Classification Sherloc (09022015). Collection method: clinical testing. Allele origin: germline.

Genetic Services Laboratory, University of Chicago
Classification: Uncertain significance. Last evaluated: 2017-08-07. Review status: criteria provided, single submitter. Criteria: ACMG Guidelines, 2015. Collection method: clinical testing. Allele origin: germline. Affected: no.

Ophthalmology Lab, The First People's Hospital of Yunnan Provience
Classification: Likely pathogenic for concomitant exotropia. Last evaluated: 2024-08-30. Review status: no assertion criteria provided. Collection method: clinical testing. Allele origin: inherited. Affected: yes. Observed: 5 variant alleles. Not counted in ClinVar's aggregate classification.
Comment: Dominant inheritance. POMGNT2 (protein O-linked mannose N-acetylglucosaminyltransferase 2 (beta 1,4)), is the pedigree coisolation gene in F10 (c.1181G>A(p.R394Q)). The variant was not detected in 422 sporadic concomitant exotropia samples and 239 normal samples. Subsequent capture and sequencing results showed that 4 different SNP mutations were acquired in 220 sporadic samples. The results show that POMGNT2 has a variety of mutations in concomitant exotropia, and it could be an underlying pathogenic gene. POMGNT2 is a protein-coding gene associated with muscular dystrophy-dystroglycanopathy. This is consistent with muscular factors related to the pathogenesis of strabismus.

PreventionGenetics, part of Exact Sciences
Classification: Likely benign for POMGNT2-related condition. Last evaluated: 2022-08-09. Review status: no assertion criteria provided. Collection method: clinical testing. Allele origin: germline. Not counted in ClinVar's aggregate classification.
Comment: This variant is classified as likely benign based on ACMG/AMP sequence variant interpretation guidelines (Richards et al. 2015 PMID: 25741868, with internal and published modifications).